The following is an entry in ClinVar:

ClinVar aggregate classification (germline): Uncertain significance (0 of 4 stars; one submission).

Conditions:
KDM5A-related disorder. Also called: KDM5A-related condition.

Submission:

PreventionGenetics, part of Exact Sciences
Classification: Uncertain significance for KDM5A-related condition. Last evaluated: 2024-04-10. Review status: no assertion criteria provided. Collection method: clinical testing. Allele origin: germline.
Comment: The KDM5A c.1429T>C variant is predicted to result in the amino acid substitution p.Phe477Leu. To our knowledge, this variant has not been reported in the literature or in a large population database, indicating this variant is rare. Alternative variant at the same codon p.Phe477Val has been reported in homozygous state in patient with autism (El Hayek et al. 2020. PubMed ID: 33350388). At this time, the clinical significance of this variant is uncertain due to the absence of conclusive functional and genetic evidence.

NM_001042603.3(KDM5A):c.1429T>C (p.Phe477Leu)

Gene: KDM5A (lysine demethylase 5A; minus strand). Cytogenetic location: 12p13.33.
Variant type: single nucleotide variant.
Coding change: c.1429T>C on transcript NM_001042603.3 (MANE Select); coding-DNA position 1429, T replaced by C.
Protein change: p.Phe477Leu; replaces phenylalanine 477 with leucine.
Molecular consequence: missense variant.
Genome position (GRCh38, 1-based): chr12:334,302, A>G on the plus strand (T>C on the coding strand, the complement: KDM5A is on the minus strand). VCF-style: chr12-334302-A-G. GRCh37 (hg19) VCF-style: chr12-443468-A-G.
Other names: short protein forms F477L.
Identifiers: ClinVar variation 3349590 (VCV003349590.1).